The following is an entry in ClinVar:

NM_004453.4(ETFDH):c.1116G>C (p.Gln372His)

Gene: ETFDH (electron transfer flavoprotein dehydrogenase; plus strand). Cytogenetic location: 4q32.1.
Variant type: single nucleotide variant.
Coding change: c.1116G>C on transcript NM_004453.4 (MANE Select); coding-DNA position 1116, G replaced by C.
Protein change: p.Gln372His; replaces glutamine 372 with histidine.
Molecular consequence: missense variant.
Genome position (GRCh38, 1-based): chr4:158,699,130, G>C. VCF-style: chr4-158699130-G-C. GRCh37 (hg19) VCF-style: chr4-159620282-G-C.
Other names: c.975G>C, p.Gln325His (NM_001281737.2); c.933G>C, p.Gln311His (NM_001281738.1); short protein forms Q372H, Q325H, Q311H.
Identifiers: ClinVar variation 2041801 (VCV002041801.4), dbSNP rs2479121388, ClinGen allele CA358562387.

ClinVar aggregate classification (germline): Uncertain significance (1 of 4 stars; one submission).

Conditions:
Multiple acyl-CoA dehydrogenase deficiency (MADD). Also called: Glutaric Acidemia type 2; ETHYLMALONIC-ADIPICACIDURIA; GA II; Glutaric aciduria, type 2; Glutaric acidemia type II; GA 2. Identifiers: Orphanet 26791, MedGen C0268596, MONDO:0009282, OMIM 231680.

Submission:

Labcorp Genetics (formerly Invitae), Labcorp
Classification: Uncertain significance for Multiple acyl-CoA dehydrogenase deficiency. Last evaluated: 2022-03-08. Review status: criteria provided, single submitter. Criteria: Invitae Variant Classification Sherloc (09022015). Collection method: clinical testing. Allele origin: germline.
Comment: In summary, the available evidence is currently insufficient to determine the role of this variant in disease. Therefore, it has been classified as a Variant of Uncertain Significance. Variants that disrupt the consensus splice site are a relatively common cause of aberrant splicing (PMID: 17576681, 9536098). Algorithms developed to predict the effect of sequence changes on RNA splicing suggest that this variant may disrupt the consensus splice site. Algorithms developed to predict the effect of missense changes on protein structure and function are either unavailable or do not agree on the potential impact of this missense change (SIFT: "Deleterious"; PolyPhen-2: "Probably Damaging"; Align-GVGD: "Class C15"). This variant has not been reported in the literature in individuals affected with ETFDH-related conditions. This variant is not present in population databases (gnomAD no frequency). This sequence change replaces glutamine, which is neutral and polar, with histidine, which is basic and polar, at codon 372 of the ETFDH protein (p.Gln372His). This variant also falls at the last nucleotide of exon 9, which is part of the consensus splice site for this exon.

Literature cited by the submitters: PubMed 17576681; PubMed 9536098.